The following is an entry in ClinVar:

NM_001278716.2(FBXL4):c.1703-2A>G

Gene: FBXL4 (F-box and leucine rich repeat protein 4; minus strand). Cytogenetic location: 6q16.1.
Variant type: single nucleotide variant.
Coding change: c.1703-2A>G on transcript NM_001278716.2 (MANE Select); the canonical splice acceptor site of the intron before coding-DNA position 1703, A replaced by G.
Molecular consequence: splice acceptor variant.
Genome position (GRCh38, 1-based): chr6:98,874,443, T>C on the plus strand (A>G on the coding strand, the complement: FBXL4 is on the minus strand). VCF-style: chr6-98874443-T-C. GRCh37 (hg19) VCF-style: chr6-99322319-T-C.
Other names: c.1703-2A>G (NM_012160.5).
Identifiers: ClinVar variation 4073526 (VCV004073526.1).

ClinVar aggregate classification (germline): Likely pathogenic (1 of 4 stars; one submission).

Conditions:
Mitochondrial DNA depletion syndrome 13. Also called: FBXL4-Related Encephalomyopathic Mitochondrial DNA Depletion Syndrome; Mitochondrial DNA depletion syndrome 13 (encephalomyopathic type). Identifiers: Orphanet 369897, MedGen C3809592, MONDO:0014198, OMIM 615471.

Submission:

Department of Pediatrics, GMC Srinagar, Government Medical College Srinagar
Classification: Likely pathogenic for Mitochondrial DNA depletion syndrome 13. Last evaluated: 2025-08-07. Review status: criteria provided, single submitter. Criteria: ACMG Guidelines, 2015. Collection method: clinical testing. Allele origin: biparental. Inheritance: Autosomal recessive inheritance. Affected: yes. Observed: 1 homozygote.
Comment: This variant (hg38 - chr6:98874443 T>C) is classified as likely pathogenic as it affects the canonical splice acceptor site and is not reported in population databases [e.g., gnomAD v.4.1.0, TOPMed (Bravo) f10, etc.]. Indication for testing: Mitochondrial DNA depletion syndrome. Zygosity: Homozygote.